The following is an entry in ClinVar:

NC_000006.11:g.(?_65531528)_(66205758_?)del

Gene: EYS (eyes shut homolog; minus strand). Cytogenetic location: 6q12.
Variant type: Deletion.
Identifiers: ClinVar variation 2423841 (VCV002423841.4).

ClinVar aggregate classification (germline): Pathogenic (1 of 4 stars; one submission).

Submission:

Labcorp Genetics (formerly Invitae), Labcorp
Classification: Pathogenic. Last evaluated: 2022-06-27. Review status: criteria provided, single submitter. Criteria: Invitae Variant Classification Sherloc (09022015). Collection method: clinical testing. Allele origin: germline.
Comment: For these reasons, this variant has been classified as Pathogenic. This variant has not been reported in the literature in individuals affected with EYS-related conditions. This variant is a gross deletion of the genomic region encompassing exon(s) 3-21 of the EYS gene, which includes the initiator codon. This deletion extends beyond the assayed region for this gene and therefore may encompass additional genes. It is expected to result in an absent or disrupted protein product. Loss-of-function variants in EYS are known to be pathogenic (PMID: 18836446, 20333770).

Literature cited by the submitters: PubMed 18836446; PubMed 20333770.